The following is an entry in ClinVar:

NM_018249.6(CDK5RAP2):c.564_565dup (p.Lys189fs)

Gene: CDK5RAP2 (CDK5 regulatory subunit associated protein 2; minus strand). Cytogenetic location: 9q33.2.
Variant type: Microsatellite.
Coding change: c.564_565dup on transcript NM_018249.6 (MANE Select); coding-DNA positions 564 to 565, 2 bases duplicated (GA; older notation c.564_565dupGA).
Protein change: p.Lys189fs; shifts the reading frame from lysine 189.
Molecular consequence: frameshift variant. On other transcripts: non-coding transcript variant (5).
Genome position (GRCh38, 1-based): chr9:120,536,469-120,536,470, TC duplicated on the plus strand (GA on the coding strand, the reverse complement: CDK5RAP2 is on the minus strand); duplicating any 2 consecutive bases within chr9:120,536,469-120,536,472 gives the same sequence; the c. name uses the placement nearest the transcript's 3' end. VCF-style (leftmost placement, unchanged base first): chr9-120536468-T-TTC. GRCh37 (hg19) VCF-style: chr9-123298746-T-TTC.
Other names: c.564_565dup, p.Lys189fs (NM_001011649.3, NM_001272039.2); short protein forms K189fs.
Identifiers: ClinVar variation 1177460 (VCV001177460.3), dbSNP rs2131964849, ClinGen allele CA2579435676.

ClinVar aggregate classification (germline): Pathogenic. Review status: criteria provided, multiple submitters, no conflicts (2 of 4 stars). 2 submissions from 2 submitters: Pathogenic (2). Last evaluated 2025-11-29.

Conditions:
Microcephaly 3, primary, autosomal recessive. Identifiers: Orphanet 2512, MedGen C1858108, MONDO:0011488, OMIM 604804.

Submissions (2):

Labcorp Genetics (formerly Invitae), Labcorp
Classification: Pathogenic. Last evaluated: 2025-11-29. Review status: criteria provided, single submitter. Criteria: Invitae Variant Classification Sherloc (09022015). Collection method: clinical testing. Allele origin: germline.
Comment: This sequence change creates a premature translational stop signal (p.Lys189Argfs*15) in the CDK5RAP2 gene. It is expected to result in an absent or disrupted protein product. Loss-of-function variants in CDK5RAP2 are known to be pathogenic (PMID: 15793586, 20460369, 26436113). This variant is not present in population databases (gnomAD no frequency). This premature translational stop signal has been observed in individual(s) with primary microcephaly (PMID: 34737153). For these reasons, this variant has been classified as Pathogenic.

Laboratory of Molecular and Cellular Screening Processes, Centre of Biotechnology of Sfax
Classification: Pathogenic for Microcephaly 3, primary, autosomal recessive. Last evaluated: 2021-06-09. Review status: criteria provided, single submitter. Criteria: ACMG Guidelines, 2015. Collection method: clinical testing. Allele origin: germline. Inheritance: Autosomal recessive inheritance. Affected: yes and no. Observed: 2 heterozygotes, 1 homozygote. Clinical features observed: Primary microcephaly (HP:0011451), Short stature (HP:0004322), Mixed hearing impairment (HP:0000410), Mild intellectual disability (HP:0001256), Abnormal retinal pigmentation (HP:0007703), Abnormal brain morphology (HP:0012443). Segregation with disease observed.
Comment: The p.Lys189ArgfsTer15 variant in the CDK5RAP2 gene has been already reported in the homozygous state in one consanguineous Tunisian family of two siblings with autosomal recessive microcephaly and neurosensory defects ( Nasser et al.2020). The p.Lys189ArgfsTer15 variant was not observed in approximately 123,136 exome sequences in the gnomAD (exomes) database, indicating it is not a common benign variant. The p.Lys189ArgfsTer15 is a homozygous frameshift duplication of 2 bp in exon 7, leading to a premature stop codon. We interpret p.Lys189ArgfsTer15 as a pathogenic variant.(PVS1,PM2,PP3)

Literature cited by the submitters: PubMed 15793586 (cited by Labcorp Genetics (formerly Invitae), Labcorp); PubMed 20460369 (cited by Labcorp Genetics (formerly Invitae), Labcorp); PubMed 26436113 (cited by Labcorp Genetics (formerly Invitae), Labcorp); PubMed 34737153 (cited by Labcorp Genetics (formerly Invitae), Labcorp); PubMed 32015000 (cited by Laboratory of Molecular and Cellular Screening Processes, Centre of Biotechnology of Sfax).